The following is an entry in ClinVar:

NM_004380.3(CREBBP):c.2697C>T (p.Pro899=)

Gene: CREBBP (CREB binding lysine acetyltransferase; minus strand). Cytogenetic location: 16p13.3.
Variant type: single nucleotide variant.
Coding change: c.2697C>T on transcript NM_004380.3 (MANE Select); coding-DNA position 2697, C replaced by T.
Protein change: p.Pro899=; no amino-acid change (proline 899 retained).
Molecular consequence: synonymous variant.
Genome position (GRCh38, 1-based): chr16:3,770,753, G>A on the plus strand (C>T on the coding strand, the complement: CREBBP is on the minus strand). VCF-style: chr16-3770753-G-A. GRCh37 (hg19) VCF-style: chr16-3820754-G-A.
Other names: c.2583C>T, p.Pro861= (NM_001079846.1); c.2697C>T (NM_004380.2).
Identifiers: ClinVar variation 1608979 (VCV001608979.9), dbSNP rs747968181, ClinGen allele CA7870048.

ClinVar aggregate classification (germline): Likely benign. Review status: criteria provided, single submitter (1 of 4 stars). 2 submissions from 2 submitters: Likely benign (1). 1 of the submissions does not count toward it. Last evaluated 2023-10-14.

Conditions:
Rubinstein-Taybi syndrome (RSTS). Identifiers: Orphanet 783, MedGen C0035934, MONDO:0019188.
CREBBP-related disorder. Also called: CREBBP-related condition; CREBBP-related disorders.

Allele frequency attached by ClinVar (database versions not stated): gnomAD exomes below 0.00001 and 0.00001; ExAC 0.00001.
gnomAD v4.1: 9 of 1,614,134 alleles (0.00056%); highest among the groups gnomAD compares: Middle Eastern, 0.033%; no homozygotes.

Submissions (2):

Labcorp Genetics (formerly Invitae), Labcorp
Classification: Likely benign for Rubinstein-Taybi syndrome. Last evaluated: 2023-10-14. Review status: criteria provided, single submitter. Criteria: Invitae Variant Classification Sherloc (09022015). Collection method: clinical testing. Allele origin: germline.

PreventionGenetics, part of Exact Sciences
Classification: Likely benign for CREBBP-related condition. Last evaluated: 2022-02-22. Review status: no assertion criteria provided. Collection method: clinical testing. Allele origin: germline. Not counted in ClinVar's aggregate classification.
Comment: This variant is classified as likely benign based on ACMG/AMP sequence variant interpretation guidelines (Richards et al. 2015 PMID: 25741868, with internal and published modifications).